The following is an entry in ClinVar:

NM_004612.4(TGFBR1):c.1306C>G (p.Pro436Ala)

Gene: TGFBR1 (transforming growth factor beta receptor 1; plus strand). Cytogenetic location: 9q22.33.
Variant type: single nucleotide variant.
Coding change: c.1306C>G on transcript NM_004612.4 (MANE Select); coding-DNA position 1306, C replaced by G.
Protein change: p.Pro436Ala; replaces proline 436 with alanine.
Molecular consequence: missense variant.
Genome position (GRCh38, 1-based): chr9:99,147,704, C>G. VCF-style: chr9-99147704-C-G. GRCh37 (hg19) VCF-style: chr9-101909986-C-G.
Other names: p.P436A:CCA>GCA; c.1075C>G, p.Pro359Ala (NM_001130916.3); c.1318C>G, p.Pro440Ala (NM_001306210.2); short protein forms P436A, P359A, P440A.
Identifiers: ClinVar variation 213904 (VCV000213904.3), dbSNP rs863223835, ClinGen allele CA322105.

ClinVar aggregate classification (germline): Uncertain significance. Review status: criteria provided, multiple submitters, no conflicts (2 of 4 stars). 2 submissions from 2 submitters: Uncertain significance (2). Last evaluated 2025-02-20.

Conditions:
Familial thoracic aortic aneurysm and aortic dissection (TAAD). Also called: Thoracic aortic aneurysms and dissections. Identifiers: Orphanet 91387, MedGen C4707243, MONDO:0019625.

Submissions (2):

Labcorp Genetics (formerly Invitae), Labcorp
Classification: Uncertain significance for Familial thoracic aortic aneurysm and aortic dissection. Last evaluated: 2025-02-20. Review status: criteria provided, single submitter. Criteria: Invitae Variant Classification Sherloc (09022015). Collection method: clinical testing. Allele origin: germline.
Comment: This sequence change replaces proline, which is neutral and non-polar, with alanine, which is neutral and non-polar, at codon 436 of the TGFBR1 protein (p.Pro436Ala). This variant is not present in population databases (gnomAD no frequency). This variant has not been reported in the literature in individuals affected with TGFBR1-related conditions. ClinVar contains an entry for this variant (Variation ID: 213904). Invitae Evidence Modeling of protein sequence and biophysical properties (such as structural, functional, and spatial information, amino acid conservation, physicochemical variation, residue mobility, and thermodynamic stability) indicates that this missense variant is expected to disrupt TGFBR1 protein function with a positive predictive value of 80%. In summary, the available evidence is currently insufficient to determine the role of this variant in disease. Therefore, it has been classified as a Variant of Uncertain Significance.

GeneDx
Classification: Uncertain significance. Last evaluated: 2018-01-23. Review status: criteria provided, single submitter. Criteria: GeneDx Variant Classification (06012015). Collection method: clinical testing. Allele origin: germline. Affected: yes.
Comment: p.Pro436Ala (CCA>GCA): c.1306 C>G in exon 8 of the TGFBR1 gene (NM_004612.2) The P436A variant of unknown significance identified in the TGFBR1 gene has not been published as a mutation, nor has it been reported as a benign polymorphism to our knowledge. The P436A variant was not observed in approximately 6,500 individuals of European and African American ancestry in the NHLBI Exome Sequencing Project, indicating it is not a common benign variant in these populations. The P436A variant is a semi-conservative amino acid substitution, which may impact secondary protein structure as these residues differ in some properties. This substitution occurs at a position that is conserved across species. In silico analysis predicts this variant is probably damaging to the protein structure/function. However, missense mutations in nearby residues have not been reported, indicating this region of the protein may be tolerant of change. Therefore, based on the currently available information, it is unclear whether this variant is a pathogenic mutation or a rare benign variant. This variant was found in TAADV2-1